The following is an entry in ClinVar:

ClinVar aggregate classification (germline): Uncertain significance. Review status: criteria provided, multiple submitters, no conflicts (2 of 4 stars). 3 submissions from 3 submitters: Uncertain significance (3). Last evaluated 2023-12-30.

Conditions:
Inborn genetic diseases. Identifiers: MedGen C0950123, MeSH D030342.

Allele frequency attached by ClinVar (database versions not stated): gnomAD 0.00001; TOPMed 0.00002; gnomAD exomes 0.00004; ESP Exome Variant Server 0.00008.
gnomAD v4.1: 60 of 1,613,872 alleles (0.0037%); highest among the groups gnomAD compares: Non-Finnish European, 0.0049%; no homozygotes.

Submissions (3):

Ambry Genetics
Classification: Uncertain significance for Inborn genetic diseases. Last evaluated: 2023-12-30. Review status: criteria provided, single submitter. Criteria: Ambry Variant Classification Scheme 2023. Collection method: clinical testing. Allele origin: germline.

Blueprint Genetics
Classification: Uncertain significance. Last evaluated: 2023-09-22. Review status: criteria provided, single submitter. Criteria: ACMG Guidelines, 2015. Collection method: clinical testing. Allele origin: germline.

Labcorp Genetics (formerly Invitae), Labcorp
Classification: Uncertain significance. Last evaluated: 2022-04-18. Review status: criteria provided, single submitter. Criteria: Invitae Variant Classification Sherloc (09022015). Collection method: clinical testing. Allele origin: germline.
Comment: This sequence change replaces arginine, which is basic and polar, with tryptophan, which is neutral and slightly polar, at codon 196 of the INPP5K protein (p.Arg196Trp). This variant is present in population databases (rs141189913, gnomAD 0.004%). This missense change has been observed in individual(s) with clinical features of a muscular dystrophy syndrome (Invitae). Algorithms developed to predict the effect of missense changes on protein structure and function (SIFT, PolyPhen-2, Align-GVGD) all suggest that this variant is likely to be disruptive. In summary, the available evidence is currently insufficient to determine the role of this variant in disease. Therefore, it has been classified as a Variant of Uncertain Significance.

NM_016532.4(INPP5K):c.586C>T (p.Arg196Trp)

Gene: INPP5K (inositol polyphosphate-5-phosphatase K; minus strand). Cytogenetic location: 17p13.3.
Variant type: single nucleotide variant.
Coding change: c.586C>T on transcript NM_016532.4 (MANE Select); coding-DNA position 586, C replaced by T.
Protein change: p.Arg196Trp; replaces arginine 196 with tryptophan.
Molecular consequence: missense variant.
Genome position (GRCh38, 1-based): chr17:1,508,195, G>A on the plus strand (C>T on the coding strand, the complement: INPP5K is on the minus strand). VCF-style: chr17-1508195-G-A. GRCh37 (hg19) VCF-style: chr17-1411489-G-A.
Other names: c.358C>T, p.Arg120Trp (NM_001135642.2, NM_130766.3); c.586C>T (NM_016532.3); short protein forms R196W, R120W.
Identifiers: ClinVar variation 2127870 (VCV002127870.6), dbSNP rs141189913, ClinGen allele CA8268549.
Genomic context (GRCh38, chr17:1,508,195, plus strand): 5'-CACCGTAGCACCGATTTTTAATGGATTCCCGAACAAAGTGCAACCCAAAGTCCTCGATCC[G>A]AAAGTTCATGTCTCCAAACCAGATAATGAGGCTTCAGAAAAAAAGGAGGGCAGCCTGAGG-3'
Protein context (NP_057616.2, residues 186-206): LIIWFGDMNF[Arg196Trp]IEDFGLHFVR